The following is an entry in ClinVar:

NM_001104631.2(PDE4D):c.1994C>A (p.Ala665Asp)

Gene: PDE4D (phosphodiesterase 4D; minus strand). Cytogenetic location: 5q11.2.
Variant type: single nucleotide variant.
Coding change: c.1994C>A on transcript NM_001104631.2 (MANE Select); coding-DNA position 1994, C replaced by A.
Protein change: p.Ala665Asp; replaces alanine 665 with aspartic acid.
Molecular consequence: missense variant.
Genome position (GRCh38, 1-based): chr5:58,975,676, G>T on the plus strand (C>A on the coding strand, the complement: PDE4D is on the minus strand). VCF-style: chr5-58975676-G-T. GRCh37 (hg19) VCF-style: chr5-58271503-G-T.
Other names: c.1811C>A, p.Ala604Asp (NM_001165899.2, NM_001364599.1); c.1802C>A, p.Ala601Asp (NM_001197218.2); c.1628C>A, p.Ala543Asp (NM_001197219.2); c.1604C>A, p.Ala535Asp (NM_001197220.2); c.1088C>A, p.Ala363Asp (NM_001197221.2, NM_001364603.1); c.1322C>A, p.Ala441Asp (NM_001197222.2); c.1121C>A, p.Ala374Asp (NM_001197223.2); c.1781C>A, p.Ala594Asp (NM_001349241.2); and 3 more; short protein forms A363D, A374D, A604D, A665D, A535D, A555D, A594D, A409D.
Identifiers: ClinVar variation 3648823 (VCV003648823.2).
Genomic context (GRCh38, chr5:58,975,676, plus strand): 5'-TAGCTCTGTTCTCTCTGAAAGCTATACACTTCATGCATTACCTGTGATTTTTCCACGGAA[G>T]CATTGTGCTTGTCACACATGGGGCTTATCTCCATGCCACGTTCCCTCTCTCGGTCTCCTT-3'
Protein context (NP_001098101.1, residues 655-675): EISPMCDKHN[Ala665Asp]SVEKSQVGFI

ClinVar aggregate classification (germline): Uncertain significance (1 of 4 stars; one submission).

Submission:

Labcorp Genetics (formerly Invitae), Labcorp
Classification: Uncertain significance. Last evaluated: 2024-04-04. Review status: criteria provided, single submitter. Criteria: Invitae Variant Classification Sherloc (09022015). Collection method: clinical testing. Allele origin: germline.
Comment: This sequence change replaces alanine, which is neutral and non-polar, with aspartic acid, which is acidic and polar, at codon 665 of the PDE4D protein (p.Ala665Asp). This variant is not present in population databases (gnomAD no frequency). This variant has not been reported in the literature in individuals affected with PDE4D-related conditions. Advanced modeling of protein sequence and biophysical properties (such as structural, functional, and spatial information, amino acid conservation, physicochemical variation, residue mobility, and thermodynamic stability) performed at Invitae indicates that this missense variant is expected to disrupt PDE4D protein function with a positive predictive value of 80%. In summary, the available evidence is currently insufficient to determine the role of this variant in disease. Therefore, it has been classified as a Variant of Uncertain Significance.